The following is an entry in ClinVar:

ClinVar aggregate classification (germline): Uncertain significance (1 of 4 stars; one submission).

Conditions:
Norman-Roberts syndrome (LIS2). Also called: Lissencephaly 2 (Norman-Roberts type). Identifiers: Orphanet 89844, MedGen C0796089, MONDO:0009760, OMIM 257320.
Familial temporal lobe epilepsy 7. Identifiers: Orphanet 101046, MedGen C4225327, MONDO:0014639, OMIM 616436.

gnomAD v4.1: 4 of 1,613,948 alleles (0.00025%); highest among the groups gnomAD compares: Non-Finnish European, 0.00034%; no homozygotes.

Submission:

Labcorp Genetics (formerly Invitae), Labcorp
Classification: Uncertain significance for Familial temporal lobe epilepsy 7; Norman-Roberts syndrome. Last evaluated: 2022-03-26. Review status: criteria provided, single submitter. Criteria: Invitae Variant Classification Sherloc (09022015). Collection method: clinical testing. Allele origin: germline.
Comment: This variant has not been reported in the literature in individuals affected with RELN-related conditions. In summary, the available evidence is currently insufficient to determine the role of this variant in disease. Therefore, it has been classified as a Variant of Uncertain Significance. Algorithms developed to predict the effect of missense changes on protein structure and function are either unavailable or do not agree on the potential impact of this missense change (SIFT: "Deleterious"; PolyPhen-2: "Probably Damaging"; Align-GVGD: "Class C0"). This variant is not present in population databases (gnomAD no frequency). This sequence change replaces glutamine, which is neutral and polar, with proline, which is neutral and non-polar, at codon 2085 of the RELN protein (p.Gln2085Pro).

NM_005045.4(RELN):c.6254A>C (p.Gln2085Pro)

Gene: RELN (reelin; minus strand). Cytogenetic location: 7q22.1.
Variant type: single nucleotide variant.
Coding change: c.6254A>C on transcript NM_005045.4 (MANE Select); coding-DNA position 6254, A replaced by C.
Protein change: p.Gln2085Pro; replaces glutamine 2085 with proline.
Molecular consequence: missense variant.
Genome position (GRCh38, 1-based): chr7:103,551,115, T>G on the plus strand (A>C on the coding strand, the complement: RELN is on the minus strand). VCF-style: chr7-103551115-T-G. GRCh37 (hg19) VCF-style: chr7-103191562-T-G.
Other names: c.6254A>C, p.Gln2085Pro (NM_173054.3); short protein forms Q2085P.
Identifiers: ClinVar variation 2090949 (VCV002090949.4), dbSNP rs756349597, ClinGen allele CA368737761.